The following is an entry in ClinVar:

ClinVar aggregate classification (germline): Pathogenic (1 of 4 stars; one submission).

Conditions:
Multiple congenital exostosis (EXT). Also called: Multiple osteochondromas; MULTIPLE CARTILAGINOUS EXOSTOSES; Hereditary multiple exostoses; Hereditary multiple exostosis; Hereditary multiple osteochondromas; Multiple exostoses. Identifiers: Orphanet 321, MedGen C0015306, MONDO:0005508, HP:0002762.

Submission:

Labcorp Genetics (formerly Invitae), Labcorp
Classification: Pathogenic for Multiple congenital exostosis. Last evaluated: 2021-12-13. Review status: criteria provided, single submitter. Criteria: Invitae Variant Classification Sherloc (09022015). Collection method: clinical testing. Allele origin: germline.
Comment: For these reasons, this variant has been classified as Pathogenic. This variant has not been reported in the literature in individuals affected with EXT1-related conditions. This variant is not present in population databases (gnomAD no frequency). This sequence change creates a premature translational stop signal (p.Leu462Argfs*8) in the EXT1 gene. It is expected to result in an absent or disrupted protein product. Loss-of-function variants in EXT1 are known to be pathogenic (PMID: 10679937, 11391482, 19810120).

Literature cited by the submitters: PubMed 10679937; PubMed 11391482; PubMed 19810120.

NM_000127.3(EXT1):c.1384_1388del (p.Leu462fs)

Gene: EXT1 (exostosin glycosyltransferase 1; minus strand). Cytogenetic location: 8q24.11.
Variant type: Deletion.
Coding change: c.1384_1388del on transcript NM_000127.3 (MANE Select); coding-DNA positions 1384 to 1388, 5 bases deleted (CTGGG; older notation c.1384_1388delCTGGG).
Protein change: p.Leu462fs; shifts the reading frame from leucine 462.
Molecular consequence: frameshift variant.
Genome position (GRCh38, 1-based): chr8:117,822,494-117,822,498, CCCAG deleted on the plus strand (CTGGG on the coding strand, the reverse complement: EXT1 is on the minus strand). VCF-style (leftmost placement, unchanged base first): chr8-117822493-TCCCAG-T. GRCh37 (hg19) VCF-style: chr8-118834732-TCCCAG-T.
Other names: short protein forms L462fs.
Identifiers: ClinVar variation 1453281 (VCV001453281.6), dbSNP rs2129749144, ClinGen allele CA2573142826.